The following is an entry in ClinVar:

NM_006031.6(PCNT):c.2692G>A (p.Ala898Thr)

Gene: PCNT (pericentrin; plus strand). Cytogenetic location: 21q22.3.
Variant type: single nucleotide variant.
Coding change: c.2692G>A on transcript NM_006031.6 (MANE Select); coding-DNA position 2692, G replaced by A.
Protein change: p.Ala898Thr; replaces alanine 898 with threonine.
Molecular consequence: missense variant.
Genome position (GRCh38, 1-based): chr21:46,366,666, G>A. VCF-style: chr21-46366666-G-A. GRCh37 (hg19) VCF-style: chr21-47786581-G-A.
Other names: c.2338G>A, p.Ala780Thr (NM_001315529.2); short protein forms A780T, A898T.
Identifiers: ClinVar variation 2629418 (VCV002629418.4), dbSNP rs373190093, ClinGen allele CA10079071.

ClinVar aggregate classification (germline): Uncertain significance (1 of 4 stars; one submission).

Conditions:
PCNT-related disorder. Also called: PCNT-related condition.

Allele frequency attached by ClinVar (database versions not stated): ExAC 0.00002; gnomAD exomes 0.00002; TOPMed 0.00003; gnomAD 0.00005; ESP Exome Variant Server 0.00008.
gnomAD v4.1: 43 of 1,613,770 alleles (0.0027%); highest among the groups gnomAD compares: Non-Finnish European, 0.0032%; no homozygotes.

Submission:

PreventionGenetics, part of Exact Sciences
Classification: Uncertain significance for PCNT-related condition. Last evaluated: 2026-09-08. Review status: criteria provided, single submitter. Criteria: ACMG Guidelines, 2015. Collection method: clinical testing. Allele origin: germline.
Comment: The PCNT c.2692G>A variant is predicted to result in the amino acid substitution p.Ala898Thr. To our knowledge, this variant has not been reported in the literature. This variant is reported in 0.0035% of alleles in individuals of European (Non-Finnish) descent in gnomAD. At this time, the clinical significance of this variant is uncertain due to the absence of conclusive functional and genetic evidence.